The following is an entry in ClinVar:

ClinVar aggregate classification (germline): Pathogenic (1 of 4 stars; one submission).

Allele frequency attached by ClinVar (database versions not stated): gnomAD exomes below 0.00001; gnomAD 0.00001.
gnomAD v4.1: 5 of 1,614,118 alleles (0.00031%); highest among the groups gnomAD compares: Non-Finnish European, 0.00042%; no homozygotes.

Submission:

Labcorp Genetics (formerly Invitae), Labcorp
Classification: Pathogenic. Last evaluated: 2022-02-28. Review status: criteria provided, single submitter. Criteria: Invitae Variant Classification Sherloc (09022015). Collection method: clinical testing. Allele origin: germline.
Comment: For these reasons, this variant has been classified as Pathogenic. This variant has not been reported in the literature in individuals affected with BCS1L-related conditions. This variant is present in population databases (no rsID available, gnomAD 0.007%). This sequence change creates a premature translational stop signal (p.Gln85*) in the BCS1L gene. It is expected to result in an absent or disrupted protein product. Loss-of-function variants in BCS1L are known to be pathogenic (PMID: 12215968, 17314340, 19162478, 19508421, 22277166, 25895478).

Literature cited by the submitters: PubMed 12215968; PubMed 17314340; PubMed 19162478; PubMed 19508421; PubMed 22277166; PubMed 25895478.

NM_001079866.2(BCS1L):c.253C>T (p.Gln85Ter)

Gene: BCS1L (BCS1 ubiquinol-cytochrome c reductase complex chaperone; plus strand). Cytogenetic location: 2q35.
Variant type: single nucleotide variant.
Coding change: c.253C>T on transcript NM_001079866.2 (MANE Select); coding-DNA position 253, C replaced by T.
Protein change: p.Gln85Ter; replaces glutamine 85 with a stop codon.
Molecular consequence: nonsense. On other transcripts: 5 prime UTR variant (5), non-coding transcript variant (1), intron variant (3).
Genome position (GRCh38, 1-based): chr2:218,661,240, C>T. VCF-style: chr2-218661240-C-T. GRCh37 (hg19) VCF-style: chr2-219525963-C-T.
Other names: c.253C>T, p.Gln85Ter (NM_001257342.2, NM_001257343.2, NM_001257344.2 and 10 more transcripts); c.-224C>T (NM_001371453.1, NM_001371454.1, NM_001371455.1 and 2 more transcripts); c.-40-166C>T (NM_001371451.1, NM_001318836.2); c.-41-519C>T (NM_001371452.1); short protein forms Q85*.
Identifiers: ClinVar variation 1453418 (VCV001453418.6), dbSNP rs1386626162, ClinGen allele CA350625947.